The following is an entry in ClinVar:

ClinVar aggregate classification (germline): Uncertain significance (1 of 4 stars; one submission).

gnomAD v4.1: 149 of 146,522 alleles (0.1%); highest among the groups gnomAD compares: Non-Finnish European, 0.2%; no homozygotes.

Submission:

Greenwood Genetic Center Diagnostic Laboratories, Greenwood Genetic Center
Classification: Uncertain significance. Last evaluated: 2025-05-06. Review status: criteria provided, single submitter. Criteria: ACMG Guidelines, 2015. Collection method: clinical testing. Allele origin: germline. Affected: yes.
Comment: PM3, BP4

NM_006567.5(FARS2):c.-21-42351G>A

Gene: FARS2 (phenylalanyl-tRNA synthetase 2, mitochondrial; plus strand). Cytogenetic location: 6p25.1.
Variant type: single nucleotide variant.
Coding change: c.-21-42351G>A on transcript NM_006567.5 (MANE Select); 42351 bases into the intron before 21 bases upstream of the start codon, G replaced by A.
Molecular consequence: intron variant.
Genome position (GRCh38, 1-based): chr6:5,326,199, G>A. VCF-style: chr6-5326199-G-A. GRCh37 (hg19) VCF-style: chr6-5326432-G-A.
Other names: c.-21-42351G>A (NM_001374878.1, NM_001318872.2, NM_001374877.1 and 5 more transcripts); c.-341+64539G>A (NM_001375260.1); c.-85+64539G>A (NM_001375259.1).
Identifiers: ClinVar variation 4538208 (VCV004538208.1).